The following is an entry in ClinVar:

ClinVar aggregate classification (germline): Benign (1 of 4 stars; one submission).

Submission:

CeGaT Center for Human Genetics Tuebingen
Classification: Benign. Last evaluated: 2023-11-01. Review status: criteria provided, single submitter. Criteria: CeGaT Center For Human Genetics Tuebingen Variant Classification Criteria Version 2. Collection method: clinical testing. Allele origin: germline. Affected: yes. Observed: 2 variant alleles.
Comment: BRD4: BS1, BS2

NM_001379291.1(BRD4):c.2159-4254del

Gene: BRD4 (bromodomain containing 4; minus strand). Cytogenetic location: 19p13.12.
Variant type: Deletion.
Coding change: c.2159-4254del on transcript NM_001379291.1 (MANE Select); 4254 bases into the intron before coding-DNA position 2159, one base deleted (C; older notation c.2159-4254delC).
Molecular consequence: intron variant. On other transcripts: 3 prime UTR variant (2).
Genome position (GRCh38, 1-based): chr19:15,249,016, G deleted on the plus strand (C on the coding strand, the reverse complement: BRD4 is on the minus strand); the first of 2 consecutive G bases (chr19:15,249,016-15,249,017); deleting either gives the same sequence. VCF-style (leftmost placement, unchanged base first): chr19-15249015-AG-A. GRCh37 (hg19) VCF-style: chr19-15359826-AG-A.
Other names: c.*264del (NM_001379292.1, NM_014299.3); c.2159-4254del (NM_058243.3).
Identifiers: ClinVar variation 1675732 (VCV001675732.33), dbSNP rs554204173, ClinGen allele CA305795361.